The following is an entry in ClinVar:

NM_002471.4(MYH6):c.2464G>A (p.Ala822Thr)

Gene: MYH6 (myosin heavy chain 6; minus strand). Cytogenetic location: 14q11.2.
Variant type: single nucleotide variant.
Coding change: c.2464G>A on transcript NM_002471.4 (MANE Select); coding-DNA position 2464, G replaced by A.
Protein change: p.Ala822Thr; replaces alanine 822 with threonine.
Molecular consequence: missense variant.
Genome position (GRCh38, 1-based): chr14:23,394,289, C>T on the plus strand (G>A on the coding strand, the complement: MYH6 is on the minus strand). VCF-style: chr14-23394289-C-T. GRCh37 (hg19) VCF-style: chr14-23863498-C-T.
Other names: short protein forms A822T.
Identifiers: ClinVar variation 179024 (VCV000179024.16), dbSNP rs138419275, ClinGen allele CA183535.

ClinVar aggregate classification (germline): Conflicting classifications of pathogenicity. Review status: criteria provided, conflicting classifications (1 of 4 stars). 4 submissions from 4 submitters: Uncertain significance (1); Likely benign (3). Last evaluated 2025-12-10.

Conditions:
Cardiovascular phenotype. Identifiers: MedGen CN230736.
Hypertrophic cardiomyopathy 14. Identifiers: MedGen C2750467, MONDO:0013197, OMIM 613251.

Allele frequency attached by ClinVar (database versions not stated): TOPMed 0.00001; gnomAD 0.00004; gnomAD exomes 0.00011 and 0.00015; ExAC 0.00015; 1000 Genomes Project 30x 0.00047; 1000 Genomes Project 0.00060.
gnomAD v4.1: 226 of 1,614,196 alleles (0.014%); highest among the groups gnomAD compares: East Asian, 0.49%; 1 homozygote.

Submissions (4):

Ambry Genetics
Classification: Uncertain significance for Cardiovascular phenotype. Last evaluated: 2025-12-10. Review status: criteria provided, single submitter. Criteria: Ambry Variant Classification Scheme 2023. Collection method: clinical testing. Allele origin: germline.
Comment: The p.A822T variant (also known as c.2464G>A), located in coding exon 19 of the MYH6 gene, results from a G to A substitution at nucleotide position 2464. The alanine at codon 822 is replaced by threonine, an amino acid with similar properties. This amino acid position is well conserved in available vertebrate species. In addition, the in silico prediction for this alteration is inconclusive. Since supporting evidence is limited at this time, the clinical significance of this alteration remains unclear.

Labcorp Genetics (formerly Invitae), Labcorp
Classification: Likely benign for Hypertrophic cardiomyopathy 14. Last evaluated: 2023-12-18. Review status: criteria provided, single submitter. Criteria: Invitae Variant Classification Sherloc (09022015). Collection method: clinical testing. Allele origin: germline.

Women's Health and Genetics/Laboratory Corporation of America, LabCorp
Classification: Likely benign. Last evaluated: 2023-05-28. Review status: criteria provided, single submitter. Criteria: LabCorp Variant Classification Summary - May 2015. Collection method: clinical testing. Allele origin: germline.

Laboratory for Molecular Medicine, Mass General Brigham Personalized Medicine
Classification: Likely benign. Last evaluated: 2013-09-06. Review status: criteria provided, single submitter. Criteria: LMM Criteria. Collection method: clinical testing. Allele origin: germline. Observed: 1 variant allele.
Comment: Ala822Thr in exon 21 of MYH6: This variant is not expected to have clinical sign ificance because it has been identified in 1.7% (3/178) of Japanese chromosomes from a broad population by the 1000 Genomes Project (dbSNP rs138419275). Ala822 Thr in exon 21 of MYH6 (rs138419275; allele frequency = 1.7%, 3/178)